The following is an entry in ClinVar:

NM_002161.6(IARS1):c.128_153dup (p.Gly52fs)

Gene: IARS1 (isoleucyl-tRNA synthetase 1; minus strand). Cytogenetic location: 9q22.31.
Variant type: Duplication.
Coding change: c.128_153dup on transcript NM_002161.6 (MANE Select); coding-DNA positions 128 to 153, 26 bases duplicated (TCTATGATGGTCCTCCTTTTGCAACT).
Protein change: p.Gly52fs; shifts the reading frame from glycine 52.
Molecular consequence: frameshift variant. On other transcripts: intron variant (1).
Genome position (GRCh38, 1-based): chr9:92,288,249-92,288,274, AGTTGCAAAAGGAGGACCATCATAGA duplicated on the plus strand (TCTATGATGGTCCTCCTTTTGCAACT on the coding strand, the reverse complement: IARS1 is on the minus strand); duplicating any 26 consecutive bases within chr9:92,288,249-92,288,276 gives the same sequence; the c. name uses the placement nearest the transcript's 3' end. VCF-style (leftmost placement, unchanged base first): chr9-92288248-C-CAGTTGCAAAAGGAGGACCATCATAGA. GRCh37 (hg19) VCF-style: chr9-95050530-C-CAGTTGCAAAAGGAGGACCATCATAGA.
Other names: c.128_153dup, p.Gly52fs (NM_001374299.1, NM_001374300.1, NM_001374301.1 and 16 more transcripts); c.120-115_120-90dup (NM_001378583.1); short protein forms G52fs.
Identifiers: ClinVar variation 4700160 (VCV004700160.1).

ClinVar aggregate classification (germline): Pathogenic (1 of 4 stars; one submission).

Submission:

Labcorp Genetics (formerly Invitae), Labcorp
Classification: Pathogenic. Last evaluated: 2025-04-28. Review status: criteria provided, single submitter. Criteria: Invitae Variant Classification Sherloc (09022015). Collection method: clinical testing. Allele origin: germline.
Comment: This sequence change creates a premature translational stop signal (p.Gly52Serfs*25) in the IARS gene. It is expected to result in an absent or disrupted protein product. Loss-of-function variants in IARS are known to be pathogenic (PMID: 27426735, 27891590). This variant is present in population databases (no rsID available, gnomAD 0.003%). This variant has not been reported in the literature in individuals affected with IARS-related conditions. For these reasons, this variant has been classified as Pathogenic.

Literature cited by the submitters: PubMed 27426735; PubMed 27891590.